The following is an entry in ClinVar:

NM_001042432.2(CLN3):c.270T>C (p.Phe90=)

Gene: CLN3 (CLN3 lysosomal/endosomal transmembrane protein, battenin; minus strand). Cytogenetic location: 16p12.1.
Variant type: single nucleotide variant.
Coding change: c.270T>C on transcript NM_001042432.2 (MANE Select); coding-DNA position 270, T replaced by C.
Protein change: p.Phe90=; no amino-acid change (phenylalanine 90 retained).
Molecular consequence: synonymous variant. On other transcripts: missense variant (1), intron variant (2).
Genome position (GRCh38, 1-based): chr16:28,488,615, A>G on the plus strand (T>C on the coding strand, the complement: CLN3 is on the minus strand). VCF-style: chr16-28488615-A-G. GRCh37 (hg19) VCF-style: chr16-28499936-A-G.
Other names: p.F90F:TTT>TTC; c.270T>C, p.Phe90= (NM_000086.2); c.50T>C, p.Leu17Ser (NM_001286105.2); c.108T>C, p.Phe36= (NM_001286110.2); c.60+675T>C (NM_001286109.2); c.222+675T>C (NM_001286104.2); short protein forms L17S.
Identifiers: ClinVar variation 205086 (VCV000205086.17), dbSNP rs145520962, ClinGen allele CA313696.
Genomic context (GRCh38, chr16:28,488,615, plus strand): 5'-TGGGTCAGGCAAGGACCAGGTGAGATGAGTACGCACAGCCGTAGAGACAGAGTTGCAGTC[A>G]AATCGTGATGAGCTGTTGTGGGGGATCGGCGTTGGGCCTGGGTCCACCTAATGGGAGAAA-3'
Protein context (NP_001035897.1, residues 80-100): TPIPHNSSSR[Phe90=]DCNSVSTAAV

ClinVar aggregate classification (germline): Benign/Likely benign. Review status: criteria provided, multiple submitters, no conflicts (2 of 4 stars). 5 submissions from 5 submitters: Benign (3); Likely benign (2). Last evaluated 2026-01-28.

Conditions:
Inborn genetic diseases. Identifiers: MedGen C0950123, MeSH D030342.
Neuronal ceroid lipofuscinosis. Also called: Neuronal Ceroid Lipofuscinoses. Identifiers: Orphanet 216, Orphanet 79263, MedGen C0027877, MONDO:0016295. Disease mechanism: loss of function.

Allele frequency attached by ClinVar (database versions not stated): 1000 Genomes Project 0.00080; 1000 Genomes Project 30x 0.00109; ESP Exome Variant Server 0.00123; TOPMed 0.00128.
gnomAD v4.1: 394 of 1,614,192 alleles (0.024%); highest among the groups gnomAD compares: African/African-American, 0.48%; 1 homozygote.

Submissions (5):

Labcorp Genetics (formerly Invitae), Labcorp
Classification: Benign for Neuronal ceroid lipofuscinosis. Last evaluated: 2026-01-28. Review status: criteria provided, single submitter. Criteria: Invitae Variant Classification Sherloc (09022015). Collection method: clinical testing. Allele origin: germline.

Blueprint Genetics
Classification: Likely benign. Last evaluated: 2024-05-29. Review status: criteria provided, single submitter. Criteria: ACMG Guidelines, 2015. Collection method: clinical testing. Allele origin: germline.

Eurofins Ntd Llc (ga)
Classification: Benign. Last evaluated: 2018-03-12. Review status: criteria provided, single submitter. Criteria: EGL ClinVar v180209 classification definitions. Collection method: clinical testing. Allele origin: germline. Observed: 1 variant allele, 1 heterozygote.

Ambry Genetics
Classification: Likely benign for Inborn genetic diseases. Last evaluated: 2017-09-29. Review status: criteria provided, single submitter. Criteria: Ambry Variant Classification Scheme 2023. Collection method: clinical testing. Allele origin: germline.

GeneDx
Classification: Benign. Last evaluated: 2014-10-23. Review status: criteria provided, single submitter. Criteria: GeneDx Variant Classification (06012015). Collection method: clinical testing. Allele origin: germline. Affected: yes.
Comment: This variant is considered likely benign or benign based on one or more of the following criteria: it is a conservative change, it occurs at a poorly conserved position in the protein, it is predicted to be benign by multiple in silico algorithms, and/or has population frequency not consistent with disease.